The following is an entry in ClinVar:

ClinVar aggregate classification (germline): Uncertain significance (1 of 4 stars; one submission).

Conditions:
Microcephaly 3, primary, autosomal recessive. Identifiers: Orphanet 2512, MedGen C1858108, MONDO:0011488, OMIM 604804.

Allele frequency attached by ClinVar (database versions not stated): TOPMed 0.00001.

Submission:

Baylor Genetics
Classification: Uncertain significance for Microcephaly 3, primary, autosomal recessive. Last evaluated: 2019-12-04. Review status: criteria provided, single submitter. Criteria: ACMG Guidelines, 2015. Collection method: clinical testing. Allele origin: unknown. Affected: yes.
Comment: This variant was determined to be of uncertain significance according to ACMG Guidelines, 2015 [PMID:25741868].

NM_018249.6(CDK5RAP2):c.195T>A (p.Asn65Lys)

Gene: CDK5RAP2 (CDK5 regulatory subunit associated protein 2; minus strand). Cytogenetic location: 9q33.2.
Variant type: single nucleotide variant.
Coding change: c.195T>A on transcript NM_018249.6 (MANE Select); coding-DNA position 195, T replaced by A.
Protein change: p.Asn65Lys; replaces asparagine 65 with lysine.
Molecular consequence: missense variant. On other transcripts: non-coding transcript variant (5).
Genome position (GRCh38, 1-based): chr9:120,568,321, A>T on the plus strand (T>A on the coding strand, the complement: CDK5RAP2 is on the minus strand). VCF-style: chr9-120568321-A-T. GRCh37 (hg19) VCF-style: chr9-123330599-A-T.
Other names: c.195T>A, p.Asn65Lys (NM_001011649.3, NM_001272039.2); short protein forms N65K.
Identifiers: ClinVar variation 1029684 (VCV001029684.1), dbSNP rs897322102, ClinGen allele CA374716238.
Genomic context (GRCh38, chr9:120,568,321, plus strand): 5'-GGCTGGACAGTGGCAGCAGACACAATTTGTTGGGGGCAGTAATTTGGTATTTCCACTTAC[A>T]TTTTCAAAGTCCTTCATGTTCCGTGCTCTGGTGGGAGACACTGTTTCTTCTGACACATTT-3'
Protein context (NP_060719.4, residues 55-75): TRARNMKDFE[Asn65Lys]QITELKKENF